The following is an entry in ClinVar:

ClinVar aggregate classification (germline): Uncertain significance (1 of 4 stars; one submission).

Conditions:
Epileptic encephalopathy. Identifiers: MedGen C0543888, HP:0200134.

Submission:

Labcorp Genetics (formerly Invitae), Labcorp
Classification: Uncertain significance for Epileptic encephalopathy. Last evaluated: 2020-02-17. Review status: criteria provided, single submitter. Criteria: Invitae Variant Classification Sherloc (09022015). Collection method: clinical testing. Allele origin: germline.
Comment: This sequence change replaces proline with glutamine at codon 30 of the GABBR2 protein (p.Pro30Gln). The proline residue is weakly conserved and there is a moderate physicochemical difference between proline and glutamine. The frequency data for this variant in the population databases is considered unreliable, as metrics indicate insufficient coverage at this position in the ExAC database. This variant has not been reported in the literature in individuals with GABBR2-related conditions. Algorithms developed to predict the effect of sequence changes on RNA splicing suggest that this variant may create or strengthen a splice site, but this prediction has not been confirmed by published transcriptional studies. In summary, the available evidence is currently insufficient to determine the role of this variant in disease. Therefore, it has been classified as a Variant of Uncertain Significance.

NM_005458.8(GABBR2):c.89C>A (p.Pro30Gln)

Gene: GABBR2 (gamma-aminobutyric acid type B receptor subunit 2; minus strand). Cytogenetic location: 9q22.33.
Variant type: single nucleotide variant.
Coding change: c.89C>A on transcript NM_005458.8 (MANE Select); coding-DNA position 89, C replaced by A.
Protein change: p.Pro30Gln; replaces proline 30 with glutamine.
Molecular consequence: missense variant.
Genome position (GRCh38, 1-based): chr9:98,708,649, G>T on the plus strand (C>A on the coding strand, the complement: GABBR2 is on the minus strand). VCF-style: chr9-98708649-G-T. GRCh37 (hg19) VCF-style: chr9-101470931-G-T.
Other names: short protein forms P30Q.
Identifiers: ClinVar variation 1035490 (VCV001035490.9), dbSNP rs1830935399, ClinGen allele CA374212866.